The following is an entry in ClinVar:

NM_001145252.3(CFP):c.956A>T (p.Asp319Val)

Gene: CFP (complement factor properdin; minus strand). Cytogenetic location: Xp11.23.
Variant type: single nucleotide variant.
Coding change: c.956A>T on transcript NM_001145252.3 (MANE Select); coding-DNA position 956, A replaced by T.
Protein change: p.Asp319Val; replaces aspartic acid 319 with valine.
Molecular consequence: missense variant.
Genome position (GRCh38, 1-based): chrX:47,626,504, T>A on the plus strand (A>T on the coding strand, the complement: CFP is on the minus strand). VCF-style: chrX-47626504-T-A. GRCh37 (hg19) VCF-style: chrX-47485903-T-A.
Other names: c.956A>T, p.Asp319Val (NM_002621.2); short protein forms D319V.
Identifiers: ClinVar variation 4761166 (VCV004761166.1).

ClinVar aggregate classification (germline): Uncertain significance (1 of 4 stars; one submission).

gnomAD v4.1: 2 of 1,210,649 alleles (0.00017%); highest among the groups gnomAD compares: Admixed American, 0.0044%; no homozygotes.

Submission:

Labcorp Genetics (formerly Invitae), Labcorp
Classification: Uncertain significance. Last evaluated: 2025-07-27. Review status: criteria provided, single submitter. Criteria: Invitae Variant Classification Sherloc (09022015). Collection method: clinical testing. Allele origin: germline.
Comment: This sequence change replaces aspartic acid, which is acidic and polar, with valine, which is neutral and non-polar, at codon 319 of the CFP protein (p.Asp319Val). This variant is present in population databases (no rsID available, gnomAD 0.008%). This variant has not been reported in the literature in individuals affected with CFP-related conditions. Invitae Evidence Modeling of protein sequence and biophysical properties (such as structural, functional, and spatial information, amino acid conservation, physicochemical variation, residue mobility, and thermodynamic stability) indicates that this missense variant is not expected to disrupt CFP protein function with a negative predictive value of 80%. In summary, the available evidence is currently insufficient to determine the role of this variant in disease. Therefore, it has been classified as a Variant of Uncertain Significance.